The following is an entry in ClinVar:

NM_000138.5(FBN1):c.4562C>T (p.Pro1521Leu)

Gene: FBN1 (fibrillin 1; minus strand). Cytogenetic location: 15q21.1.
Variant type: single nucleotide variant.
Coding change: c.4562C>T on transcript NM_000138.5 (MANE Select); coding-DNA position 4562, C replaced by T.
Protein change: p.Pro1521Leu; replaces proline 1521 with leucine.
Molecular consequence: missense variant.
Genome position (GRCh38, 1-based): chr15:48,468,432, G>A on the plus strand (C>T on the coding strand, the complement: FBN1 is on the minus strand). VCF-style: chr15-48468432-G-A. GRCh37 (hg19) VCF-style: chr15-48760629-G-A.
Other names: c.4562C>T (NM_000138.4); short protein forms P1521L.
Identifiers: ClinVar variation 1503849 (VCV001503849.11), dbSNP rs2141272892, ClinGen allele CA392353365.

ClinVar aggregate classification (germline): Conflicting classifications of pathogenicity. Review status: criteria provided, conflicting classifications (1 of 4 stars). 4 submissions from 4 submitters: Likely pathogenic (2); Uncertain significance (2). Last evaluated 2025-04-21.

Conditions:
Marfan syndrome (MFS). Also called: MARFAN SYNDROME, TYPE I; Marfan syndrome type 1; Marfan's syndrome; Marfan syndrome, classic; FBN1-Related Marfan Syndrome. Identifiers: Orphanet 284963, Orphanet 558, MedGen C0024796, MONDO:0007947, OMIM 154700.
Familial thoracic aortic aneurysm and aortic dissection (TAAD). Also called: Thoracic aortic aneurysms and dissections. Identifiers: Orphanet 91387, MedGen C4707243, MONDO:0019625.
FBN1-related disorder. Also called: FBN1-related disorders.

Submissions (4):

Ambry Genetics
Classification: Uncertain significance for Familial thoracic aortic aneurysm and aortic dissection. Last evaluated: 2025-04-21. Review status: criteria provided, single submitter. Criteria: Ambry Variant Classification Scheme 2023. Collection method: clinical testing. Allele origin: germline.
Comment: The p.P1521L variant (also known as c.4562C>T), located in coding exon 36 of the FBN1 gene, results from a C to T substitution at nucleotide position 4562. The proline at codon 1521 is replaced by leucine, an amino acid with similar properties. This variant was reported in individual(s) with features consistent with Marfan syndrome (Overwater E et al. Hum Mutat, 2018 Sep;39:1173-1192; external communication; Ambry internal data). This amino acid position is highly conserved in available vertebrate species. In addition, this alteration is predicted to be deleterious by in silico analysis. Based on the available evidence, the clinical significance of this variant remains unclear.

All of Us Research Program, National Institutes of Health
Classification: Uncertain significance for Marfan syndrome. Last evaluated: 2024-02-22. Review status: criteria provided, single submitter. Criteria: ACMG Guidelines, 2015. Collection method: clinical testing. Allele origin: germline. Inheritance: Autosomal dominant inheritance. Observed: 1 variant allele, 1 heterozygote.
Comment: This missense variant replaces proline with leucine at codon 1521 of the FBN1 protein. Computational prediction suggests that this variant may have deleterious impact on protein structure and function (internally defined REVEL score threshold >= 0.7, PMID: 27666373). To our knowledge, functional studies have not been reported for this variant. This variant has been observed in two unrelated individuals with clinical features of Marfan syndrome (PMID: 29907982, ClinVar SCV002288858.2). This variant has not been identified in the general population by the Genome Aggregation Database (gnomAD). The available evidence is insufficient to determine the role of this variant in disease conclusively. Therefore, this variant is classified as a Variant of Uncertain Significance.

This study involves interpretation of variants in research participants for the purpose of population health screening. Participant phenotype was not available at the time of variant classification. Additional details can be found in publication PMID: 35346344, PMCID: PMC8962531

Blueprint Genetics
Classification: Likely pathogenic for FBN1-related disorders. Last evaluated: 2022-02-22. Review status: criteria provided, single submitter. Criteria: ACMG Guidelines, 2015. Collection method: clinical testing. Allele origin: germline. Affected: yes. Observed: 5 variant alleles.

Labcorp Genetics (formerly Invitae), Labcorp
Classification: Likely pathogenic for Marfan syndrome; Familial thoracic aortic aneurysm and aortic dissection. Last evaluated: 2021-01-12. Review status: criteria provided, single submitter. Criteria: Invitae Variant Classification Sherloc (09022015). Collection method: clinical testing. Allele origin: germline.
Comment: This variant has been observed in individual(s) with clinical features of Marfan syndrome (PMID: 29907982, Invitae). In summary, the currently available evidence indicates that the variant is pathogenic, but additional data are needed to prove that conclusively. Therefore, this variant has been classified as Likely Pathogenic. Advanced modeling of protein sequence and biophysical properties (such as structural, functional, and spatial information, amino acid conservation, physicochemical variation, residue mobility, and thermodynamic stability) performed at Invitae indicates that this missense variant is expected to disrupt FBN1 protein function. This variant is not present in population databases (ExAC no frequency). This sequence change replaces proline with leucine at codon 1521 of the FBN1 protein (p.Pro1521Leu). The proline residue is highly conserved and there is a moderate physicochemical difference between proline and leucine.

Literature cited by the submitters: PubMed 29907982 (cited by 3 submitters).